The following is an entry in ClinVar:

ClinVar aggregate classification (germline): Uncertain significance. Review status: criteria provided, multiple submitters, no conflicts (2 of 4 stars). 2 submissions from 2 submitters: Uncertain significance (2). Last evaluated 2024-04-20.

Conditions:
Inborn genetic diseases. Identifiers: MedGen C0950123, MeSH D030342.
Glycogen storage disease due to muscle and heart glycogen synthase deficiency. Also called: GSD 0b; MUSCLE GLYCOGEN SYNTHASE DEFICIENCY. Identifiers: Orphanet 137625, MedGen C1969054, MONDO:0012693, OMIM 611556.

Allele frequency attached by ClinVar (database versions not stated): gnomAD exomes below 0.00001; TOPMed 0.00001.
gnomAD v4.1: 4 of 1,545,030 alleles (0.00026%); highest among the groups gnomAD compares: Admixed American, 0.002%; no homozygotes.

Submissions (2):

Ambry Genetics
Classification: Uncertain significance for Inborn genetic diseases. Last evaluated: 2024-04-20. Review status: criteria provided, single submitter. Criteria: Ambry Variant Classification Scheme 2023. Collection method: clinical testing. Allele origin: germline.

Labcorp Genetics (formerly Invitae), Labcorp
Classification: Uncertain significance for Glycogen storage disease due to muscle and heart glycogen synthase deficiency. Last evaluated: 2022-06-20. Review status: criteria provided, single submitter. Criteria: Invitae Variant Classification Sherloc (09022015). Collection method: clinical testing. Allele origin: germline.
Comment: This sequence change replaces arginine, which is basic and polar, with histidine, which is basic and polar, at codon 674 of the GYS1 protein (p.Arg674His). This variant is not present in population databases (gnomAD no frequency). This variant has not been reported in the literature in individuals affected with GYS1-related conditions. ClinVar contains an entry for this variant (Variation ID: 1021262). Algorithms developed to predict the effect of missense changes on protein structure and function are either unavailable or do not agree on the potential impact of this missense change (SIFT: "Tolerated"; PolyPhen-2: "Possibly Damaging"; Align-GVGD: "Class C0"). In summary, the available evidence is currently insufficient to determine the role of this variant in disease. Therefore, it has been classified as a Variant of Uncertain Significance.

NM_002103.5(GYS1):c.2021G>A (p.Arg674His)

Gene: GYS1 (glycogen synthase 1; minus strand). Cytogenetic location: 19q13.33.
Variant type: single nucleotide variant.
Coding change: c.2021G>A on transcript NM_002103.5 (MANE Select); coding-DNA position 2021, G replaced by A.
Protein change: p.Arg674His; replaces arginine 674 with histidine.
Molecular consequence: missense variant. On other transcripts: non-coding transcript variant (1).
Genome position (GRCh38, 1-based): chr19:48,969,481, C>T on the plus strand (G>A on the coding strand, the complement: GYS1 is on the minus strand). VCF-style: chr19-48969481-C-T. GRCh37 (hg19) VCF-style: chr19-49472738-C-T.
Other names: c.1829G>A, p.Arg610His (NM_001161587.2); c.2021G>A (NM_002103.4); short protein forms R610H, R674H.
Identifiers: ClinVar variation 1021262 (VCV001021262.8), dbSNP rs779582211, ClinGen allele CA406759385.